The following is an entry in ClinVar:

ClinVar aggregate classification (germline): Uncertain significance (1 of 4 stars; one submission).

Submission:

Labcorp Genetics (formerly Invitae), Labcorp
Classification: Uncertain significance. Last evaluated: 2022-09-27. Review status: criteria provided, single submitter. Criteria: Invitae Variant Classification Sherloc (09022015). Collection method: clinical testing. Allele origin: germline.
Comment: This variant is not present in population databases (gnomAD no frequency). This sequence change replaces asparagine, which is neutral and polar, with tyrosine, which is neutral and polar, at codon 40 of the PUS3 protein (p.Asn40Tyr). This variant has not been reported in the literature in individuals affected with PUS3-related conditions. In summary, the available evidence is currently insufficient to determine the role of this variant in disease. Therefore, it has been classified as a Variant of Uncertain Significance. Advanced modeling of protein sequence and biophysical properties (such as structural, functional, and spatial information, amino acid conservation, physicochemical variation, residue mobility, and thermodynamic stability) performed at Invitae indicates that this missense variant is not expected to disrupt PUS3 protein function.

NM_031307.4(PUS3):c.118A>T (p.Asn40Tyr)

Genes: HYLS1 (HYLS1 centriolar and ciliogenesis associated; plus strand), PUS3 (pseudouridine synthase 3; minus strand). Cytogenetic location: 11q24.2.
Variant type: single nucleotide variant.
Coding change: c.118A>T on transcript NM_031307.4 (MANE Select); coding-DNA position 118, A replaced by T.
Protein change: p.Asn40Tyr; replaces asparagine 40 with tyrosine.
Molecular consequence: missense variant. On other transcripts: intron variant (6).
Genome position (GRCh38, 1-based): chr11:125,896,167, T>A on the plus strand (A>T on the coding strand, the complement: PUS3 is on the minus strand). VCF-style: chr11-125896167-T-A. GRCh37 (hg19) VCF-style: chr11-125766062-T-A.
Other names: c.-80-2937T>A (NM_145014.3); c.-25-3177T>A (NM_001134793.2, NM_001377269.1); c.-22-3180T>A (NM_001424364.1, NM_001377270.1); c.-246-378A>T (NM_001271985.2); short protein forms N40Y.
Identifiers: ClinVar variation 2086754 (VCV002086754.4), dbSNP rs775902307, ClinGen allele CA383200945.
Genomic context (GRCh38, chr11:125,896,167, plus strand): 5'-GAGCACTGAAATCAAATGCACGCTTAGTTTTTCCAGCTCCTGCTGAATTTTCTCTAATGT[T>A]TGAGTCCTCCTTATTTTTGGCCTGTTCCTTTTTAAGTCTTTGCACCTCTTGCTCCAGTTC-3'
Protein context (NP_112597.4, residues 30-50): KEQAKNKEDS[Asn40Tyr]IRENSAGAGK